The following is an entry in ClinVar:

NM_006031.6(PCNT):c.5116-260T>C

Gene: PCNT (pericentrin; plus strand). Cytogenetic location: 21q22.3.
Variant type: single nucleotide variant.
Coding change: c.5116-260T>C on transcript NM_006031.6 (MANE Select); 260 bases into the intron before coding-DNA position 5116, T replaced by C.
Molecular consequence: intron variant.
Genome position (GRCh38, 1-based): chr21:46,410,929, T>C. VCF-style: chr21-46410929-T-C. GRCh37 (hg19) VCF-style: chr21-47830843-T-C.
Other names: c.4762-260T>C (NM_001315529.2).
Identifiers: ClinVar variation 667543 (VCV000667543.1), dbSNP rs2839243, ClinGen allele CA14865593.

ClinVar aggregate classification (germline): Benign (1 of 4 stars; one submission).

Allele frequency attached by ClinVar (database versions not stated): 1000 Genomes Project 0.66893; gnomAD 0.66962 and 0.67362; 1000 Genomes Project 30x 0.67114; TOPMed 0.67395.
gnomAD v4.1: 102,023 of 152,202 alleles (67%); highest among the groups gnomAD compares: African/African-American, 79%; 34,896 homozygotes.

Submission:

GeneDx
Classification: Benign. Last evaluated: 2018-06-16. Review status: criteria provided, single submitter. Criteria: GeneDx Variant Classification (06012015). Collection method: clinical testing. Allele origin: germline. Affected: yes.
Comment: This variant is considered likely benign or benign based on one or more of the following criteria: it is a conservative change, it occurs at a poorly conserved position in the protein, it is predicted to be benign by multiple in silico algorithms, and/or has population frequency not consistent with disease.